The following is an entry in ClinVar:

NM_194248.3(OTOF):c.1364_1366delinsTTGC (p.Tyr455fs)

Gene: OTOF (otoferlin; minus strand). Cytogenetic location: 2p23.3.
Variant type: Indel.
Coding change: c.1364_1366delinsTTGC on transcript NM_194248.3 (MANE Select); coding-DNA positions 1364 to 1366, ACG replaced by TTGC.
Protein change: p.Tyr455fs; shifts the reading frame from tyrosine 455.
Molecular consequence: frameshift variant.
Genome position (GRCh38, 1-based): chr2:26,483,488-26,483,490, CGT replaced by GCAA on the plus strand (ACG replaced by TTGC on the coding strand, the reverse complement: OTOF is on the minus strand). VCF-style: chr2-26483488-CGT-GCAA. GRCh37 (hg19) VCF-style: chr2-26706356-CGT-GCAA.
Other names: c.1364_1366delinsTTGC, p.Tyr455fs (NM_001287489.2); short protein forms Y455fs.
Identifiers: ClinVar variation 1185627 (VCV001185627.2), dbSNP rs2148060432, ClinGen allele CA2573051922.
Genomic context (GRCh38, chr2:26,483,488, plus strand): 5'-CAGCCCCAGCCTCCTGTACCTCATACCCCAGTACCTTCTGGCCAGCAAAGAAGACTTGCA[CGT>GCAA]AGGGGTCCACGAGGTCCTTGTTTTCACCGATGAAAGCCTTCTTTACATTGGCCATGAGGC-3'

ClinVar aggregate classification (germline): Pathogenic. Review status: no assertion criteria provided (0 of 4 stars). 2 submissions from 2 submitters: Pathogenic (2). Last evaluated 2026-02-04.

Conditions:
Autosomal recessive nonsyndromic hearing loss 9. Also called: Deafness, autosomal recessive 9; NEUROSENSORY NONSYNDROMIC RECESSIVE DEAFNESS 9; OTOF-Related Hearing Loss; AUDITORY NEUROPATHY, AUTOSOMAL RECESSIVE, 1, TEMPERATURE-SENSITIVE. Identifiers: Orphanet 90636, MedGen C1832828, MONDO:0010986, OMIM 601071.

Submissions (2):

Diagnosis and Treatment Center of Genetic Hearing Loss, Eye & ENT Hospital of Fudan University
Classification: Pathogenic for Autosomal recessive nonsyndromic hearing loss 9. Last evaluated: 2026-02-04. Review status: no assertion criteria provided. Collection method: clinical testing. Allele origin: germline. Inheritance: Autosomal recessive inheritance. Affected: yes.
Comment: The c.1364_1366delinsTTGC frameshift variant in OTOF leads to a premature stop codon and predicted NMD (PVS1). It is absent from population databases (PM2_Supporting). It was reported in trans with a pathogenic/likely pathogenic variant in one patient with hearing loss (PM3; PMID: 32048449).

Deafness Molecular Diagnostic Center, Chinese PLA General Hospital
Classification: Pathogenic for Autosomal recessive nonsyndromic hearing loss 9. Review status: no assertion criteria provided. Criteria: ACMG Guidelines, 2015. Collection method: case-control. Allele origin: paternal. Affected: yes.